The following is an entry in ClinVar:

NM_006129.5(BMP1):c.1262_1276del (p.Asn421_Gly426delinsSer)

Gene: BMP1 (bone morphogenetic protein 1; plus strand). Cytogenetic location: 8p21.3.
Variant type: Deletion.
Coding change: c.1262_1276del on transcript NM_006129.5 (MANE Select); coding-DNA positions 1262 to 1276, 15 bases deleted (ATTGGGTTGGAAAGG).
Protein change: p.Asn421_Gly426delinsSer.
Molecular consequence: inframe indel. On other transcripts: non-coding transcript variant (2).
Genome position (GRCh38, 1-based): chr8:22,194,139-22,194,153, ATTGGGTTGGAAAGG deleted. VCF-style (leftmost placement, unchanged base first): chr8-22194138-AATTGGGTTGGAAAGG-A. GRCh37 (hg19) VCF-style: chr8-22051651-AATTGGGTTGGAAAGG-A.
Other names: c.1262_1276del, p.Asn421_Gly426delinsSer (NM_001199.4).
Identifiers: ClinVar variation 4747644 (VCV004747644.1).

ClinVar aggregate classification (germline): Uncertain significance (1 of 4 stars; one submission).

Submission:

Labcorp Genetics (formerly Invitae), Labcorp
Classification: Uncertain significance. Last evaluated: 2025-10-29. Review status: criteria provided, single submitter. Criteria: Invitae Variant Classification Sherloc (09022015). Collection method: clinical testing. Allele origin: germline.
Comment: This variant, c.1262_1276del, is a complex sequence change that results in the deletion of 6 and insertion of 1 amino acid(s) in the BMP1 protein (p.Asn421_Gly426delinsSer). This variant is not present in population databases (gnomAD no frequency). This variant has not been reported in the literature in individuals affected with BMP1-related conditions. Experimental studies and prediction algorithms are not available or were not evaluated, and the functional significance of this variant is currently unknown. In summary, the available evidence is currently insufficient to determine the role of this variant in disease. Therefore, it has been classified as a Variant of Uncertain Significance.